The following is an entry in ClinVar:

ClinVar aggregate classification (germline): Uncertain significance (1 of 4 stars; one submission).

Conditions:
Ulnar-mammary syndrome (UMS). Also called: PALLISTER ULNAR-MAMMARY SYNDROME; Ulnar-mammary syndrome of Pallister; SCHINZEL SYNDROME. Identifiers: Orphanet 3138, MedGen C1866994, MONDO:0008411, OMIM 181450.

Submission:

Labcorp Genetics (formerly Invitae), Labcorp
Classification: Uncertain significance for Ulnar-mammary syndrome. Last evaluated: 2025-05-26. Review status: criteria provided, single submitter. Criteria: Invitae Variant Classification Sherloc (09022015). Collection method: clinical testing. Allele origin: germline.
Comment: This sequence change replaces alanine, which is neutral and non-polar, with glycine, which is neutral and non-polar, at codon 471 of the TBX3 protein (p.Ala471Gly). This variant is not present in population databases (gnomAD no frequency). This variant has not been reported in the literature in individuals affected with TBX3-related conditions. An algorithm developed to predict the effect of missense changes on protein structure and function (PolyPhen-2) suggests that this variant is likely to be tolerated. In summary, the available evidence is currently insufficient to determine the role of this variant in disease. Therefore, it has been classified as a Variant of Uncertain Significance.

NM_005996.4(TBX3):c.1412C>G (p.Ala471Gly)

Gene: TBX3 (T-box transcription factor 3; minus strand). Cytogenetic location: 12q24.21.
Variant type: single nucleotide variant.
Coding change: c.1412C>G on transcript NM_005996.4 (MANE Select); coding-DNA position 1412, C replaced by G.
Protein change: p.Ala471Gly; replaces alanine 471 with glycine.
Molecular consequence: missense variant.
Genome position (GRCh38, 1-based): chr12:114,674,463, G>C on the plus strand (C>G on the coding strand, the complement: TBX3 is on the minus strand). VCF-style: chr12-114674463-G-C. GRCh37 (hg19) VCF-style: chr12-115112268-G-C.
Other names: c.1472C>G, p.Ala491Gly (NM_016569.4); short protein forms A471G, A491G.
Identifiers: ClinVar variation 4720292 (VCV004720292.1).